The following is an entry in ClinVar:

ClinVar aggregate classification (germline): Uncertain significance (1 of 4 stars; one submission).

Conditions:
Progressive sclerosing poliodystrophy (MTDPS4A). Also called: Mitochondrial DNA depletion syndrome 4A (Alpers type); ALPERS PROGRESSIVE INFANTILE POLIODYSTROPHY; NEURONAL DEGENERATION OF CHILDHOOD WITH LIVER DISEASE, PROGRESSIVE; Mitochondrial DNA Depletion Syndrome 4A; Alpers-Huttenlocher Syndrome (AHS); Alpers Syndrome. Identifiers: Orphanet 726, MedGen C0205710, MONDO:0008758, OMIM 203700.

Allele frequency attached by ClinVar (database versions not stated): gnomAD exomes below 0.00001.
gnomAD v4.1: 6 of 1,558,814 alleles (0.00038%); highest among the groups gnomAD compares: Non-Finnish European, 0.00052%; no homozygotes.

Submission:

Labcorp Genetics (formerly Invitae), Labcorp
Classification: Uncertain significance for Progressive sclerosing poliodystrophy. Last evaluated: 2023-03-17. Review status: criteria provided, single submitter. Criteria: Invitae Variant Classification Sherloc (09022015). Collection method: clinical testing. Allele origin: germline.
Comment: In summary, the available evidence is currently insufficient to determine the role of this variant in disease. Therefore, it has been classified as a Variant of Uncertain Significance. Advanced modeling of protein sequence and biophysical properties (such as structural, functional, and spatial information, amino acid conservation, physicochemical variation, residue mobility, and thermodynamic stability) has been performed at Invitae for this missense variant, however the output from this modeling did not meet the statistical confidence thresholds required to predict the impact of this variant on POLG protein function. ClinVar contains an entry for this variant (Variation ID: 1398751). This variant has not been reported in the literature in individuals affected with POLG-related conditions. This variant is not present in population databases (gnomAD no frequency). This sequence change replaces glutamine, which is neutral and polar, with glutamic acid, which is acidic and polar, at codon 144 of the POLG protein (p.Gln144Glu).

NM_002693.3(POLG):c.430C>G (p.Gln144Glu)

Genes: POLG (DNA polymerase gamma, catalytic subunit; minus strand), POLGARF (POLG alternative reading frame; minus strand). Cytogenetic location: 15q26.1.
Variant type: single nucleotide variant.
Coding change: c.430C>G on transcript NM_002693.3 (MANE Select); coding-DNA position 430, C replaced by G.
Protein change: p.Gln144Glu; replaces glutamine 144 with glutamic acid.
Molecular consequence: missense variant.
Genome position (GRCh38, 1-based): chr15:89,333,325, G>C on the plus strand (C>G on the coding strand, the complement: POLG is on the minus strand). VCF-style: chr15-89333325-G-C. GRCh37 (hg19) VCF-style: chr15-89876556-G-C.
Other names: c.430C>G, p.Gln144Glu (NM_001126131.2); short protein forms Q144E.
Identifiers: ClinVar variation 1398751 (VCV001398751.8), dbSNP rs2141814867, ClinGen allele CA393771822.